The following is an entry in ClinVar:

NM_001868.4(CPA1):c.412G>A (p.Glu138Lys)

Gene: CPA1 (carboxypeptidase A1; plus strand). Cytogenetic location: 7q32.2.
Variant type: single nucleotide variant.
Coding change: c.412G>A on transcript NM_001868.4 (MANE Select); coding-DNA position 412, G replaced by A.
Protein change: p.Glu138Lys; replaces glutamic acid 138 with lysine.
Molecular consequence: missense variant.
Genome position (GRCh38, 1-based): chr7:130,382,138, G>A. VCF-style: chr7-130382138-G-A. GRCh37 (hg19) VCF-style: chr7-130021979-G-A.
Other names: c.412G>A (NM_001868.2); short protein forms E138K.
Identifiers: ClinVar variation 2418650 (VCV002418650.9), dbSNP rs1236285948, ClinGen allele CA369280869.

ClinVar aggregate classification (germline): Uncertain significance. Review status: criteria provided, multiple submitters, no conflicts (2 of 4 stars). 2 submissions from 2 submitters: Uncertain significance (2). Last evaluated 2025-10-13.

Conditions:
Hereditary pancreatitis (PCTT). Also called: Hereditary chronic pancreatitis; PRSS1-Related Hereditary Pancreatitis. Identifiers: Orphanet 676, MedGen C0238339, MONDO:0008185, OMIM 167800.

Allele frequency attached by ClinVar (database versions not stated): gnomAD exomes below 0.00001; TOPMed below 0.00001; gnomAD 0.00001.
gnomAD v4.1: 8 of 1,614,100 alleles (0.0005%); highest among the groups gnomAD compares: South Asian, 0.0011%; no homozygotes.

Submissions (2):

Labcorp Genetics (formerly Invitae), Labcorp
Classification: Uncertain significance. Last evaluated: 2025-10-13. Review status: criteria provided, single submitter. Criteria: Invitae Variant Classification Sherloc (09022015). Collection method: clinical testing. Allele origin: germline.
Comment: This sequence change replaces glutamic acid, which is acidic and polar, with lysine, which is basic and polar, at codon 138 of the CPA1 protein (p.Glu138Lys). This variant is present in population databases (no rsID available, gnomAD 0.003%). This variant has not been reported in the literature in individuals affected with CPA1-related conditions. ClinVar contains an entry for this variant (Variation ID: 2418650). Invitae Evidence Modeling of protein sequence and biophysical properties (such as structural, functional, and spatial information, amino acid conservation, physicochemical variation, residue mobility, and thermodynamic stability) indicates that this missense variant is not expected to disrupt CPA1 protein function with a negative predictive value of 80%. In summary, the available evidence is currently insufficient to determine the role of this variant in disease. Therefore, it has been classified as a Variant of Uncertain Significance.

Ambry Genetics
Classification: Uncertain significance for Hereditary pancreatitis. Last evaluated: 2024-12-12. Review status: criteria provided, single submitter. Criteria: Ambry Variant Classification Scheme 2023. Collection method: clinical testing. Allele origin: germline.
Comment: The p.E138K variant (also known as c.412G>A), located in coding exon 4 of the CPA1 gene, results from a G to A substitution at nucleotide position 412. The glutamic acid at codon 138 is replaced by lysine, an amino acid with similar properties. This amino acid position is conserved. In addition, this alteration is predicted to be tolerated by in silico analysis. Since supporting evidence is limited at this time, the clinical significance of this alteration remains unclear.